The following continues an entry in ClinVar:

NM_025114.4(CEP290):c.1666del (p.Ile556fs)

Gene: CEP290. ClinVar aggregate classification (germline): Pathogenic. Pathogenic (1).

Submissions 9 to 23 of 23:

Baylor Genetics
Classification: Pathogenic for Bardet-Biedl syndrome 14. Last evaluated: 2024-02-23. Review status: criteria provided, single submitter. Criteria: ACMG Guidelines, 2015. Collection method: clinical testing. Allele origin: unknown. Not counted in ClinVar's aggregate classification.

GeneDx
Classification: Pathogenic. Last evaluated: 2023-12-12. Review status: criteria provided, single submitter. Criteria: GeneDx Variant Classification Process June 2021. Collection method: clinical testing. Allele origin: germline. Affected: yes. Not counted in ClinVar's aggregate classification.
Comment: Frameshift variant predicted to result in protein truncation or nonsense mediated decay in a gene for which loss-of-function is a known mechanism of disease; This variant is associated with the following publications: (PMID: 31589614, 21228398, 17564967, 27491411, 26047050, 29641573, 26092869, 32165824, 35627109, 29771326, 31630094, 36460718, 34906470, 36729443, 32507488, 33970760, 31087526, 36819107, 33576794, 32865313, 34196655)

3billion
Classification: Pathogenic for Joubert syndrome 5. Last evaluated: 2023-06-23. Review status: criteria provided, single submitter. Criteria: ACMG Guidelines, 2015. Collection method: clinical testing. Allele origin: germline. Affected: yes. Not counted in ClinVar's aggregate classification.
Comment: The variant is observed at an extremely low frequency in the gnomAD v2.1.1 dataset (total allele frequency: 0.140%). Predicted Consequence/Location: Frameshift: predicted to result in a loss or disruption of normal protein function through nonsense-mediated decay (NMD) or protein truncation. Multiple pathogenic variants are reported downstream of the variant. The variant has been reported to be in trans with a pathogenic variant as either compound heterozygous or homozygous in at least one similarly affected unrelated individual (3billion dataset). The variant has been reported at least twice as pathogenic with clinical assertions and evidence for the classification (ClinVar ID: VCV000217622 /PMID: 17564967 /3billion dataset). Therefore, this variant is classified as Pathogenic according to the recommendation of ACMG/AMP guideline.

Department of Pathology and Laboratory Medicine, Sinai Health System
Classification: Pathogenic for Joubert syndrome 5; Senior-Loken syndrome 6; Meckel syndrome, type 4; Leber congenital amaurosis 10; Bardet-Biedl syndrome 14. Last evaluated: 2023-01-11. Review status: criteria provided, single submitter. Criteria: ACMG Guidelines, 2015. Collection method: research. Allele origin: germline. Not counted in ClinVar's aggregate classification.

Blueprint Genetics
Classification: Pathogenic for CEP290-related disorders. Last evaluated: 2022-07-20. Review status: criteria provided, single submitter. Criteria: ACMG Guidelines, 2015. Collection method: clinical testing. Allele origin: germline. Affected: yes. Observed: 5 variant alleles. Not counted in ClinVar's aggregate classification.

Revvity Omics, Revvity
Classification: Pathogenic. Last evaluated: 2022-01-02. Review status: criteria provided, single submitter. Criteria: ACMG Guidelines, 2015. Collection method: clinical testing. Allele origin: germline. Not counted in ClinVar's aggregate classification.

Breakthrough Genomics
Classification: Pathogenic for Leber congenital amaurosis 10. Last evaluated: 2021-08-03. Review status: criteria provided, single submitter. Criteria: ACMG Guidelines, 2015. Collection method: clinical testing. Allele origin: germline. Affected: yes. Not counted in ClinVar's aggregate classification.
Comment: This variant was previously reported in individuals with Joubert syndrome and observed to segregate with disease in related individuals [PMID: 26047050, 26092869, 27491411]. Loss-of-function variants in the CEP290 gene are reported to be pathogenic [PMID: 16909394, 17345604, 20690115].

Ocular Genomics Institute, Massachusetts Eye and Ear
Classification: Pathogenic for Leber congenital amaurosis 10. Last evaluated: 2021-04-08. Review status: criteria provided, single submitter. Criteria: ACMG Guidelines, 2015. Collection method: research. Allele origin: germline. Affected: yes. Not counted in ClinVar's aggregate classification.
Comment: Through a review of available evidence we were able to apply the following criteria: PVS1, PS3. Based on this evidence we have classified this variant as Pathogenic.

Institute of Medical Genetics and Applied Genomics, University Hospital Tübingen
Classification: Pathogenic. Last evaluated: 2020-10-23. Review status: criteria provided, single submitter. Criteria: ACMG Guidelines, 2015. Collection method: clinical testing. Allele origin: germline. Inheritance: Autosomal recessive inheritance. Affected: yes. Not counted in ClinVar's aggregate classification.

Mendelics
Classification: Pathogenic for Joubert syndrome 1. Last evaluated: 2019-05-28. Review status: criteria provided, single submitter. Criteria: Mendelics Assertion Criteria 2017. Collection method: clinical testing. Allele origin: unknown. Not counted in ClinVar's aggregate classification.

Institute of Human Genetics, Univ. Regensburg, Univ. Regensburg
Classification: Pathogenic for Retinal dystrophy. Last evaluated: 2018-01-01. Review status: criteria provided, single submitter. Criteria: ACMG Guidelines, 2015. Collection method: clinical testing. Allele origin: germline. Affected: yes. Not counted in ClinVar's aggregate classification.

UW Hindbrain Malformation Research Program, University of Washington
Classification: Pathogenic for Joubert syndrome 5. Last evaluated: 2015-02-23. Review status: criteria provided, single submitter. Criteria: Bachmann-Gagescu et al. (J Med Genet. 2015). Collection method: research. Allele origin: unknown. Affected: yes. Not counted in ClinVar's aggregate classification.

Kariminejad - Najmabadi Pathology & Genetics Center
Classification: Pathogenic for Leber congenital amaurosis 10. Review status: criteria provided, single submitter. Criteria: ACMG Guidelines, 2015. Collection method: clinical testing. Allele origin: germline. Affected: no. Not counted in ClinVar's aggregate classification.

PreventionGenetics, part of Exact Sciences
Classification: Pathogenic for CEP290-related condition. Last evaluated: 2024-04-15. Review status: no assertion criteria provided. Collection method: clinical testing. Allele origin: germline. Not counted in ClinVar's aggregate classification.
Comment: The CEP290 c.1666delA variant is predicted to result in a frameshift and premature protein termination (p.Ile556Phefs*17). This variant in the homozygous or compound heterozygous state has been reported to be causative for CEP290-related disorders (Brancati et al. 2007. PubMed ID: 17564967; Wang et al. 2015. PubMed ID: 26047050; Zhu et al. 2021. PubMed ID: 33970760). This variant had been reported in 0.18% of alleles in individuals of European (Non-Finnish) descent in gnomAD 2.1.1 (as displayed in the table above). However, due to technical limitations, these numbers were not reliable. With a higher quality data in gnomAD V4 dataset, this variant has been identified at a maximum frequency of 0.0457% of alleles in individuals of South Asian descent. Frameshift variants in CEP290 are expected to be pathogenic. This variant is interpreted as pathogenic.

Sharon lab, Hadassah-Hebrew University Medical Center
Classification: Pathogenic for Leber congenital amaurosis. Last evaluated: 2019-06-23. Review status: no assertion criteria provided. Collection method: research. Allele origin: inherited. Affected: yes. Not counted in ClinVar's aggregate classification.

Literature cited by the submitters: PubMed 32865313 (cited by 3 submitters); PubMed 33970760 (cited by Natera, Inc. and Institute of Human Genetics, Univ. Regensburg, Univ. Regensburg); PubMed 31087526 (cited by 3 submitters); PubMed 29771326 (cited by Variantyx, Inc. and Institute of Human Genetics, Univ. Regensburg, Univ. Regensburg); PubMed 27491411 (cited by 3 submitters); PubMed 33576794 (cited by Variantyx, Inc. and Institute of Human Genetics, Univ. Regensburg, Univ. Regensburg); PubMed 3970760 (cited by Variantyx, Inc.); PubMed 34196655 (cited by Variantyx, Inc. and Institute of Human Genetics, Univ. Regensburg, Univ. Regensburg); PubMed 35627109 (cited by Variantyx, Inc. and Institute of Human Genetics, Univ. Regensburg, Univ. Regensburg); PubMed 17564967 (cited by 3 submitters); PubMed 16909394 (cited by Labcorp Genetics (formerly Invitae), Labcorp); PubMed 17345604 (cited by Labcorp Genetics (formerly Invitae), Labcorp); PubMed 20690115 (cited by Labcorp Genetics (formerly Invitae), Labcorp); PubMed 26047050 (cited by Labcorp Genetics (formerly Invitae), Labcorp and Institute of Human Genetics, Univ. Regensburg, Univ. Regensburg); PubMed 26092869 (cited by Labcorp Genetics (formerly Invitae), Labcorp and Institute of Human Genetics, Univ. Regensburg, Univ. Regensburg); PubMed 21228398 (cited by Institute of Human Genetics, Univ. Regensburg, Univ. Regensburg); PubMed 29641573 (cited by Institute of Human Genetics, Univ. Regensburg, Univ. Regensburg); PubMed 31589614 (cited by Institute of Human Genetics, Univ. Regensburg, Univ. Regensburg); PubMed 32165824 (cited by Institute of Human Genetics, Univ. Regensburg, Univ. Regensburg); PubMed 31630094 (cited by Institute of Human Genetics, Univ. Regensburg, Univ. Regensburg); PubMed 36460718 (cited by Institute of Human Genetics, Univ. Regensburg, Univ. Regensburg); PubMed 36819107 (cited by Institute of Human Genetics, Univ. Regensburg, Univ. Regensburg).